The following is an entry in ClinVar:

ClinVar aggregate classification (germline): Uncertain significance (1 of 4 stars; one submission).

Allele frequency attached by ClinVar (database versions not stated): TOPMed below 0.00001; gnomAD exomes 0.00001 and 0.00003; ExAC 0.00004.
gnomAD v4.1: 5 of 1,614,206 alleles (0.00031%); highest among the groups gnomAD compares: Admixed American, 0.0083%; no homozygotes.

Submission:

Labcorp Genetics (formerly Invitae), Labcorp
Classification: Uncertain significance. Last evaluated: 2022-07-13. Review status: criteria provided, single submitter. Criteria: Invitae Variant Classification Sherloc (09022015). Collection method: clinical testing. Allele origin: germline.
Comment: This sequence change replaces isoleucine, which is neutral and non-polar, with valine, which is neutral and non-polar, at codon 2142 of the ABCA4 protein (p.Ile2142Val). This variant is present in population databases (rs769683820, gnomAD 0.01%). This variant has not been reported in the literature in individuals affected with ABCA4-related conditions. ClinVar contains an entry for this variant (Variation ID: 1024043). Advanced modeling of protein sequence and biophysical properties (such as structural, functional, and spatial information, amino acid conservation, physicochemical variation, residue mobility, and thermodynamic stability) performed at Invitae indicates that this missense variant is expected to disrupt ABCA4 protein function. In summary, the available evidence is currently insufficient to determine the role of this variant in disease. Therefore, it has been classified as a Variant of Uncertain Significance.

NM_000350.3(ABCA4):c.6424A>G (p.Ile2142Val)

Gene: ABCA4 (ATP binding cassette subfamily A member 4; minus strand). Cytogenetic location: 1p22.1.
Variant type: single nucleotide variant.
Coding change: c.6424A>G on transcript NM_000350.3 (MANE Select); coding-DNA position 6424, A replaced by G.
Protein change: p.Ile2142Val; replaces isoleucine 2142 with valine.
Molecular consequence: missense variant.
Genome position (GRCh38, 1-based): chr1:94,000,891, T>C on the plus strand (A>G on the coding strand, the complement: ABCA4 is on the minus strand). VCF-style: chr1-94000891-T-C. GRCh37 (hg19) VCF-style: chr1-94466447-T-C.
Other names: c.6202A>G, p.Ile2068Val (NM_001425324.1); short protein forms I2142V, I2068V.
Identifiers: ClinVar variation 1024043 (VCV001024043.6), dbSNP rs769683820, ClinGen allele CA956876.
Genomic context (GRCh38, chr1:94,000,891, plus strand): 5'-CTTACTTGGACTTGAGATGCTGAATGGTGCCCATACATCGAAAGGCGCCCTTTACCATGA[T>C]GGCCAGCCGGGTACACAGTGCCTCACATTCTTCCATGCTGTGGGGCAGGAGAGAGGAGGT-3'
Protein context (NP_000341.2, residues 2132-2152): ECEALCTRLA[Ile2142Val]MVKGAFRCMG